The following is an entry in ClinVar:

NM_001194998.2(CEP152):c.576del (p.Lys192_Val193insTer)

Gene: CEP152 (centrosomal protein 152; minus strand). Cytogenetic location: 15q21.1.
Variant type: Deletion.
Coding change: c.576del on transcript NM_001194998.2 (MANE Select); coding-DNA position 576, one base deleted (A; older notation c.576delA).
Protein change: p.Lys192_Val193insTer.
Molecular consequence: frameshift variant.
Genome position (GRCh38, 1-based): chr15:48,796,125, T deleted on the plus strand (A on the coding strand, the reverse complement: CEP152 is on the minus strand); the first of 3 consecutive T bases (chr15:48,796,125-48,796,127); deleting any one gives the same sequence. VCF-style (leftmost placement, unchanged base first): chr15-48796124-CT-C. GRCh37 (hg19) VCF-style: chr15-49088321-CT-C.
Other names: c.576del, p.Lys192_Val193insTer (NM_014985.4).
Identifiers: ClinVar variation 2879320 (VCV002879320.3), dbSNP rs1897274437, ClinGen allele CA2175664519.
Genomic context (GRCh38, chr15:48,796,124, plus strand): 5'-TTATCTCCTGGGCTGGTGAGCCATTATTCTGGGCAGAAGACTGATAAGGTTTATATGTCA[CT>C]TTATTATACGGTTCCAAACCTTGACAACTGGGACCCTGTGATAACAAATGAAACTGACAA-3'

ClinVar aggregate classification (germline): Pathogenic (1 of 4 stars; one submission).

Submission:

Labcorp Genetics (formerly Invitae), Labcorp
Classification: Pathogenic. Last evaluated: 2023-09-30. Review status: criteria provided, single submitter. Criteria: Invitae Variant Classification Sherloc (09022015). Collection method: clinical testing. Allele origin: germline.
Comment: This sequence change creates a premature translational stop signal (p.Val193*) in the CEP152 gene. It is expected to result in an absent or disrupted protein product. Loss-of-function variants in CEP152 are known to be pathogenic (PMID: 21131973). This variant is not present in population databases (gnomAD no frequency). This variant has not been reported in the literature in individuals affected with CEP152-related conditions. For these reasons, this variant has been classified as Pathogenic.

Literature cited by the submitters: PubMed 21131973.